The following is an entry in ClinVar:

ClinVar aggregate classification (germline): Uncertain significance (1 of 4 stars; one submission).

Conditions:
CACNA1E-related disorder. Also called: CACNA1E-related condition.

Submission:

PreventionGenetics, part of Exact Sciences
Classification: Uncertain significance for CACNA1E-related condition. Last evaluated: 2025-07-31. Review status: criteria provided, single submitter. Criteria: ACMG Guidelines, 2015. Collection method: clinical testing. Allele origin: germline.
Comment: The CACNA1E c.5631C>G variant is predicted to result in premature protein termination (p.Tyr1877*). To our knowledge, this variant has not been reported in the literature or in a large population database (gnomAD), indicating this variant is rare. Loss-of-function variants in CACNA1E have not been conclusively established as a mechanism of CACNA1E-related disease. Although we suspect that this variant may be pathogenic, the clinical significance of this variant is classified as uncertain at this time due to insufficient functional and genetic evidence.

NM_001205293.3(CACNA1E):c.5631C>G (p.Tyr1877Ter)

Gene: CACNA1E (calcium voltage-gated channel subunit alpha1 E; plus strand). Cytogenetic location: 1q25.3.
Variant type: single nucleotide variant.
Coding change: c.5631C>G on transcript NM_001205293.3 (MANE Select); coding-DNA position 5631, C replaced by G.
Protein change: p.Tyr1877Ter; replaces tyrosine 1877 with a stop codon.
Molecular consequence: nonsense.
Genome position (GRCh38, 1-based): chr1:181,785,370, C>G. VCF-style: chr1-181785370-C-G. GRCh37 (hg19) VCF-style: chr1-181754506-C-G.
Other names: c.5631C>G, p.Tyr1877Ter (NM_000721.4); c.5574C>G, p.Tyr1858Ter (NM_001205294.2); short protein forms Y1858*, Y1877*.
Identifiers: ClinVar variation 4997026 (VCV004997026.1).